The following is an entry in ClinVar:

NM_004104.5(FASN):c.5230G>C (p.Val1744Leu)

Gene: FASN (fatty acid synthase; minus strand). Cytogenetic location: 17q25.3.
Variant type: single nucleotide variant.
Coding change: c.5230G>C on transcript NM_004104.5 (MANE Select); coding-DNA position 5230, G replaced by C.
Protein change: p.Val1744Leu; replaces valine 1744 with leucine.
Molecular consequence: missense variant.
Genome position (GRCh38, 1-based): chr17:82,083,628, C>G on the plus strand (G>C on the coding strand, the complement: FASN is on the minus strand). VCF-style: chr17-82083628-C-G. GRCh37 (hg19) VCF-style: chr17-80041504-C-G.
Other names: short protein forms V1744L.
Identifiers: ClinVar variation 4781542 (VCV004781542.1).

ClinVar aggregate classification (germline): Uncertain significance (1 of 4 stars; one submission).

Conditions:
Epileptic encephalopathy. Identifiers: MedGen C0543888, HP:0200134.

Submission:

Labcorp Genetics (formerly Invitae), Labcorp
Classification: Uncertain significance for Epileptic encephalopathy. Last evaluated: 2025-11-24. Review status: criteria provided, single submitter. Criteria: Invitae Variant Classification Sherloc (09022015). Collection method: clinical testing. Allele origin: germline.
Comment: This sequence change replaces valine, which is neutral and non-polar, with leucine, which is neutral and non-polar, at codon 1744 of the FASN protein (p.Val1744Leu). This variant is not present in population databases (gnomAD no frequency). This variant has not been reported in the literature in individuals affected with FASN-related conditions. An algorithm developed to predict the effect of missense changes on protein structure and function (PolyPhen-2) suggests that this variant is likely to be disruptive. In summary, the available evidence is currently insufficient to determine the role of this variant in disease. Therefore, it has been classified as a Variant of Uncertain Significance.